The following is an entry in ClinVar:

NM_001378609.3(OTOGL):c.2849T>C (p.Ile950Thr)

Gene: OTOGL (otogelin like; plus strand). Cytogenetic location: 12q21.31.
Variant type: single nucleotide variant.
Coding change: c.2849T>C on transcript NM_001378609.3 (MANE Select); coding-DNA position 2849, T replaced by C.
Protein change: p.Ile950Thr; replaces isoleucine 950 with threonine.
Molecular consequence: missense variant.
Genome position (GRCh38, 1-based): chr12:80,279,087, T>C. VCF-style: chr12-80279087-T-C. GRCh37 (hg19) VCF-style: chr12-80672867-T-C.
Other names: c.2849T>C, p.Ile950Thr (NM_001368062.3, NM_001378610.3, NM_173591.7); short protein forms I941T, I950T.
Identifiers: ClinVar variation 505742 (VCV000505742.5), dbSNP rs749226050, ClinGen allele CA6700910.
Genomic context (GRCh38, chr12:80,279,087, plus strand): 5'-GCGTTTGTCGACGAGGAATGTTCAATTGCACATATTATCCATGCCCAGCAGTGTGCACAA[T>C]ATACGGGGACCGACATTATTATTCTTTTGATGGACTAGAATATGACTATATCAGTGATTG-3'
Protein context (NP_001365538.2, residues 940-960): TYYPCPAVCT[Ile950Thr]YGDRHYYSFD

ClinVar aggregate classification (germline): Uncertain significance (1 of 4 stars; one submission).

Allele frequency attached by ClinVar (database versions not stated): ExAC 0.00001; gnomAD exomes 0.00001.

Submission:

Laboratory for Molecular Medicine, Mass General Brigham Personalized Medicine
Classification: Uncertain significance. Last evaluated: 2017-04-25. Review status: criteria provided, single submitter. Criteria: LMM Criteria. Collection method: clinical testing. Allele origin: germline. Observed: 1 variant allele.
Comment: The p.Ile941Thr variant in OTOGL has not been previously reported in individuals with hearing loss, but has been identified in 2/108040 European chromosomes by the Genome Aggregation Consortium (gnomAD; dbS NP rs749226050). Although this variant has been seen in the general population, its frequency is not high enough to rule out a pathogenic role. Computational pr ediction tools and conservation analyses suggest that this variant may not impac t the protein, though this information is not predictive enough to rule out path ogenicity. In summary, the clinical significance of the p.Ile941Thr variant is u ncertain.